The following is an entry in ClinVar:

NM_001113491.2(SEPTIN9):c.*6A>G

Gene: SEPTIN9 (septin 9; plus strand). Cytogenetic location: 17q25.3.
Variant type: single nucleotide variant.
Coding change: c.*6A>G on transcript NM_001113491.2 (MANE Select); 6 bases downstream of the stop codon, A replaced by G.
Molecular consequence: 3 prime UTR variant.
Genome position (GRCh38, 1-based): chr17:77,498,664, A>G. VCF-style: chr17-77498664-A-G. GRCh37 (hg19) VCF-style: chr17-75494746-A-G.
Other names: c.*6A>G (NM_001113492.2, NM_001113493.2, NM_001113494.1 and 7 more transcripts).
Identifiers: ClinVar variation 325573 (VCV000325573.12), dbSNP rs1059485, ClinGen allele CA8793938.
Genomic context (GRCh38, chr17:77,498,664, plus strand): 5'-CAGCGCCATGGCCAACGGCATGGAGGAGAAGGAGCCAGAAGCCCCGGAGATGTAGACGCC[A>G]CCCTGCCCACCCCCGGGATCCTGCCCCCAAGTCATTTCCGTCCCCCCCCAGGCCCTCCCA-3'

ClinVar aggregate classification (germline): Benign/Likely benign. Review status: criteria provided, multiple submitters, no conflicts (2 of 4 stars). 6 submissions from 6 submitters: Benign (5); Likely benign (1). Last evaluated 2024-11-28.

Conditions:
Amyotrophic neuralgia (HNA). Also called: Hereditary Brachial Plexus Neuropathy; Neuritis with Brachial Predilection; AMYOTROPHY, HEREDITARY NEURALGIC, WITH PREDILECTION FOR BRACHIAL PLEXUS; AMYOTROPHY, HEREDITARY NEURALGIC. Identifiers: Orphanet 2901, MedGen C1834304, MONDO:0008076, OMIM 162100.

Allele frequency attached by ClinVar (database versions not stated): ESP Exome Variant Server 0.39367; gnomAD 0.44966 and 0.45123; TOPMed 0.45689; ExAC 0.52669; gnomAD exomes 0.53530; 1000 Genomes Project 30x 0.55153; 1000 Genomes Project 0.56170.
gnomAD v4.1: 747,629 of 1,579,470 alleles (47%); highest among the groups gnomAD compares: East Asian, 89%; 185,429 homozygotes.

Submissions (6):

Blueprint Genetics
Classification: Likely benign. Last evaluated: 2024-11-28. Review status: criteria provided, single submitter. Criteria: ACMG Guidelines, 2015. Collection method: clinical testing. Allele origin: germline.

Genome-Nilou Lab
Classification: Benign for Amyotrophic neuralgia. Last evaluated: 2021-12-05. Review status: criteria provided, single submitter. Criteria: ACMG Guidelines, 2015. Collection method: clinical testing. Allele origin: germline. Affected: no.

Mayo Clinic Laboratories, Mayo Clinic
Classification: Benign. Last evaluated: 2019-09-06. Review status: criteria provided, single submitter. Criteria: ACMG Guidelines, 2015. Collection method: clinical testing. Allele origin: germline. Observed: 374 variant alleles.

GeneDx
Classification: Benign. Last evaluated: 2018-07-05. Review status: criteria provided, single submitter. Criteria: GeneDx Variant Classification Process June 2021. Collection method: clinical testing. Allele origin: germline. Affected: yes.

Illumina Laboratory Services, Illumina
Classification: Benign for Amyotrophy, hereditary neuralgic. Last evaluated: 2018-01-13. Review status: criteria provided, single submitter. Criteria: ICSL Variant Classification Criteria 13 December 2019. Collection method: clinical testing. Allele origin: germline.
Comment: This variant was observed in the ICSL laboratory as part of a predisposition screen in an ostensibly healthy population. It had not been previously curated by ICSL or reported in the Human Gene Mutation Database (HGMD: prior to June 1st, 2018), and was therefore a candidate for classification through an automated scoring system. Utilizing variant allele frequency, disease prevalence and penetrance estimates, and inheritance mode, an automated score was calculated to assess if this variant is too frequent to cause the disease. Based on the score and internal cut-off values, a variant classified as benign is not then subjected to further curation. The score for this variant resulted in a classification of benign for this disease.

Breakthrough Genomics
Classification: Benign. Review status: criteria provided, single submitter. Criteria: ACMG Guidelines, 2015. Collection method: not provided. Allele origin: germline. Inheritance: Autosomal dominant inheritance. Affected: yes.